The following is an entry in ClinVar:

NM_002474.3(MYH11):c.4222T>G (p.Tyr1408Asp)

Genes: MYH11 (myosin heavy chain 11; minus strand), NDE1 (nudE neurodevelopment protein 1; plus strand). Cytogenetic location: 16p13.11.
Variant type: single nucleotide variant.
Coding change: c.4222T>G on transcript NM_002474.3 (MANE Select); coding-DNA position 4222, T replaced by G.
Protein change: p.Tyr1408Asp; replaces tyrosine 1408 with aspartic acid.
Molecular consequence: missense variant. On other transcripts: 3 prime UTR variant (2).
Genome position (GRCh38, 1-based): chr16:15,724,304, A>C on the plus strand (T>G on the coding strand, the complement: MYH11 is on the minus strand). VCF-style: chr16-15724304-A-C. GRCh37 (hg19) VCF-style: chr16-15818161-A-C.
Other names: c.4243T>G, p.Tyr1415Asp (NM_001040113.2, NM_001040114.2); c.4222T>G, p.Tyr1408Asp (NM_022844.3); c.*53A>C (NM_001143979.2, NM_017668.3); short protein forms Y1415D, Y1408D.
Identifiers: ClinVar variation 5008783 (VCV005008783.1).
Genomic context (GRCh38, chr16:15,724,304, plus strand): 5'-CCTGCTGAAGCCTGTTCTTGGTCTTTTCCAGTTTATCATAAGCGGCCGCCTTCTCCTCGT[A>C]CTGCTGGGTGAGGTTCTCGATCTCCTTCTGGAACCTCTTCTTCCCCTCTTCCAGAGCTTC-3'
Protein context (NP_002465.1, residues 1398-1418): QKEIENLTQQ[Tyr1408Asp]EEKAAAYDKL

ClinVar aggregate classification (germline): Uncertain significance (1 of 4 stars; one submission).

gnomAD v4.1: 1 of 1,613,954 alleles (0.000062%); highest among the groups gnomAD compares: Non-Finnish European, 0.000085%; no homozygotes.

Submission:

GeneDx
Classification: Uncertain significance. Last evaluated: 2026-03-07. Review status: criteria provided, single submitter. Criteria: GeneDx Variant Classification Process June 2021. Collection method: clinical testing. Allele origin: germline.
Comment: Not observed at significant frequency in large population cohorts (gnomAD); In silico analysis supports that this missense variant has a deleterious effect on protein structure/function; Has not been previously published as pathogenic or benign to our knowledge